The following is an entry in ClinVar:

NM_000569.8(FCGR3A):c.197T>A (p.Leu66His)

Gene: FCGR3A (Fc gamma receptor IIIa; minus strand). Cytogenetic location: 1q23.3.
Variant type: single nucleotide variant.
Coding change: c.197T>A on transcript NM_000569.8 (MANE Select); coding-DNA position 197, T replaced by A.
Protein change: p.Leu66His; replaces leucine 66 with histidine.
Molecular consequence: missense variant.
Genome position (GRCh38, 1-based): chr1:161,548,543, A>T on the plus strand (T>A on the coding strand, the complement: FCGR3A is on the minus strand). VCF-style: chr1-161548543-A-T. GRCh37 (hg19) VCF-style: chr1-161518333-A-T.
Other names: c.509T>A, p.Leu170His (NM_001127592.2); c.197T>A, p.Leu66His (NM_001127593.1, NM_001127595.2, NM_001329120.2); c.194T>A, p.Leu65His (NM_001127596.2, NM_001386450.1); c.512T>A, p.Leu171His (NM_001329122.1); short protein forms L66H, L171H, L170H, L65H.
Identifiers: ClinVar variation 14828 (VCV000014828.8), dbSNP rs10127939, ClinGen allele CA124372.
Genomic context (GRCh38, chr1:161,548,543, plus strand): 5'-TCTCCACTGTCGTCGACTGTGGCAGCGTCAATGAAGTAGCTCGAGGCCTGGCTTGAGATG[A>T]GGCTCTCATTGTGAAACCACTGTGTGGAATTGTCCTCAGGGGAGTAGGCTCCCTGGCACT-3'
Protein context (NP_000560.7, residues 56-76): NSTQWFHNES[Leu66His]ISSQASSYFI

ClinVar aggregate classification (germline): Uncertain significance. Review status: criteria provided, multiple submitters, no conflicts (2 of 4 stars). 5 submissions from 5 submitters: Uncertain significance (4). 1 of the submissions does not count toward it. Last evaluated 2024-11-26.

Conditions:
Autosomal recessive primary immunodeficiency with defective spontaneous natural killer cell cytotoxicity. Also called: Immunodeficiency 20. Identifiers: Orphanet 437552, MedGen C3810342, MONDO:0014313, OMIM 615707.

Allele frequency attached by ClinVar (database versions not stated): 1000 Genomes Project 30x 0.02623; 1000 Genomes Project 0.02656; gnomAD 0.04855.
gnomAD v4.1: 103,887 of 1,612,026 alleles (6.4%); highest among the groups gnomAD compares: Non-Finnish European, 7.3%; 732 homozygotes.

Submissions (5):

Blueprint Genetics
Classification: Uncertain significance. Last evaluated: 2024-11-26. Review status: criteria provided, single submitter. Criteria: ACMG Guidelines, 2015. Collection method: clinical testing. Allele origin: germline.

Center for Genomics, Ann and Robert H. Lurie Children's Hospital of Chicago
Classification: Uncertain significance for Autosomal recessive primary immunodeficiency with defective spontaneous natural killer cell cytotoxicity. Last evaluated: 2021-03-30. Review status: criteria provided, single submitter. Criteria: ACMG Guidelines, 2015. Collection method: clinical testing. Allele origin: germline.
Comment: FCGR3A NM_1127593.1 exon 4 p.Leu66His (c.197T>A): This variant has been reported in the literature as homozygous in 3 individuals with recurrent infection, suggestive of NK cell defects (de Vries 1996 PMID:8874200, Jawahar 1996 PMID:8608639, Grier 2012 PMID:23006327, called c.230T>A p.Leu66His). This variant is present in 7.5% (9575/126258) of European alleles including 17 homozygotes in the Genome Aggregation Database. This variant is present in ClinVar (Variation ID:14828). Evolutionary conservation and computational predictive tools suggest that this variant may not impact the protein. In summary, although this variant is present at a high frequency in the general population, the presence of conflicting data on this variant suggests insufficient information for disease classification. Therefore, the clinical significance of this variant is uncertain.

Laboratory for Molecular Medicine, Mass General Brigham Personalized Medicine
Classification: Uncertain significance. Last evaluated: 2016-03-28. Review status: criteria provided, single submitter. Criteria: LMM Criteria. Collection method: clinical testing. Allele origin: germline.
Comment: Variant identified in a genome or exome case(s) and assessed due to predicted null impact of the variant or pathogenic assertions in the literature or databases. Disclaimer: This variant has not undergone full assessment. The following are preliminary notes: High frequency in the general population (5 homozygotes in ExAC), but homozygous change at this position has been reported in 3 individuals with NK cell deficiency. 2 probands had recurrent upper respiratory infections. In vitro study shows possible functional impact (PMID 23006327).

Breakthrough Genomics
Classification: Uncertain significance. Review status: criteria provided, single submitter. Criteria: ACMG Guidelines, 2015. Collection method: not provided. Allele origin: germline. Inheritance: Autosomal recessive inheritance. Affected: yes.

OMIM
Classification: Pathogenic for IMMUNODEFICIENCY 20. Last evaluated: 2012-10-01. Review status: no assertion criteria provided. Collection method: literature only. Allele origin: germline. Not counted in ClinVar's aggregate classification.

Literature cited by the submitters: PubMed 8608639 (cited by OMIM); PubMed 8609432 (cited by OMIM); PubMed 23006327 (cited by OMIM); PubMed 8874200 (cited by OMIM).